The following is an entry in ClinVar:

NM_018105.3(THAP1):c.304C>T (p.Pro102Ser)

Gene: THAP1 (THAP domain containing 1; minus strand). Cytogenetic location: 8p11.21.
Variant type: single nucleotide variant.
Coding change: c.304C>T on transcript NM_018105.3 (MANE Select); coding-DNA position 304, C replaced by T.
Protein change: p.Pro102Ser; replaces proline 102 with serine.
Molecular consequence: missense variant. On other transcripts: synonymous variant (1).
Genome position (GRCh38, 1-based): chr8:42,838,300, G>A on the plus strand (C>T on the coding strand, the complement: THAP1 is on the minus strand). VCF-style: chr8-42838300-G-A. GRCh37 (hg19) VCF-style: chr8-42693443-G-A.
Other names: c.108C>T, p.Pro36= (NM_199003.2); c.304C>T (NM_018105.2); short protein forms P102S.
Identifiers: ClinVar variation 4525737 (VCV004525737.2).
Genomic context (GRCh38, chr8:42,838,300, plus strand): 5'-GCGGCATTAGTAATCCAATAGCAGCATCAACCTGGGAAACAGGAGGCGGTAAAGGAGGTG[G>A]GGGAAGCTGTTCCTGTGGCTCCAGAAGATCTTCTTTCTAAAACAAAAATACAAAGTATGT-3'
Protein context (NP_060575.1, residues 92-112): DLLEPQEQLP[Pro102Ser]PPLPPPVSQV

ClinVar aggregate classification (germline): Uncertain significance. Review status: criteria provided, multiple submitters, no conflicts (2 of 4 stars). 2 submissions from 2 submitters: Uncertain significance (2). Last evaluated 2026-07-14.

Conditions:
Inborn genetic diseases. Identifiers: MedGen C0950123, MeSH D030342.

Submissions (2):

Ambry Genetics
Classification: Uncertain significance for Inborn genetic diseases. Last evaluated: 2026-07-14. Review status: criteria provided, single submitter. Criteria: Ambry Variant Classification Scheme 2023. Collection method: clinical testing. Allele origin: germline.

Women's Health and Genetics/Laboratory Corporation of America, LabCorp
Classification: Uncertain significance. Last evaluated: 2025-07-21. Review status: criteria provided, single submitter. Criteria: LabCorp Variant Classification Summary - May 2015. Collection method: clinical testing. Allele origin: germline.
Comment: Variant summary: THAP1 c.304C>T (p.Pro102Ser) results in a non-conservative amino acid change in the encoded protein sequence. Algorithms developed to predict the effect of missense changes on protein structure and function are either unavailable or do not agree on the potential impact of this missense change. The variant allele was found at a frequency of 4e-06 in 251254 control chromosomes. The available data on variant occurrences in the general population are insufficient to allow any conclusion about variant significance. To our knowledge, no occurrence of c.304C>T in individuals affected with Torsion Dystonia 6 and no experimental evidence demonstrating its impact on protein function have been reported. No submitters have cited clinical-significance assessments for this variant to ClinVar. Based on the evidence outlined above, the variant was classified as uncertain significance.